The following is an entry in ClinVar:

NM_022173.4(TIA1):c.301C>A (p.Arg101Ser)

Gene: TIA1 (TIA1 cytotoxic granule associated RNA binding protein; minus strand). Cytogenetic location: 2p13.3.
Variant type: single nucleotide variant.
Coding change: c.301C>A on transcript NM_022173.4 (MANE Select); coding-DNA position 301, C replaced by A.
Protein change: p.Arg101Ser; replaces arginine 101 with serine.
Molecular consequence: missense variant. On other transcripts: 5 prime UTR variant (2), non-coding transcript variant (9), intron variant (10).
Genome position (GRCh38, 1-based): chr2:70,229,068, G>T on the plus strand (C>A on the coding strand, the complement: TIA1 is on the minus strand). VCF-style: chr2-70229068-G-T. GRCh37 (hg19) VCF-style: chr2-70456200-G-T.
Other names: c.301C>A, p.Arg101Ser (NM_001351508.2, NM_001351516.2, NM_001351518.2 and 2 more transcripts); c.190C>A, p.Arg64Ser (NM_001351511.1); c.-343C>A (NM_001351517.2); c.307C>A, p.Arg103Ser (NM_001351520.2); c.-120C>A (NM_001351524.2); c.166+196C>A (NM_001351513.1); c.172+196C>A (NM_001351512.1); c.82+196C>A (NM_001351514.2, NM_001351523.2); and 4 more; short protein forms R64S, R101S, R103S.
Identifiers: ClinVar variation 1982470 (VCV001982470.4), dbSNP rs768942529, ClinGen allele CA347156520.
Genomic context (GRCh38, chr2:70,229,068, plus strand): 5'-GTGAATACCCTTTCAAGAGATTTCATTTTATGTTTAAGAAGATACAATTACCTTGTGAAC[G>T]CTGTGTGCTGACAACGGTACTACCTGATGACAAAGATTAGATTTGTTCTTAAATTTATTA-3'
Protein context (NP_071505.2, residues 91-111): TSSSTVVSTQ[Arg101Ser]SQDHFHVFVG

ClinVar aggregate classification (germline): Uncertain significance (1 of 4 stars; one submission).

Conditions:
Welander distal myopathy (WDM). Also called: Welander distal myopathy, Swedish type; Distal myopathy, Swedish type; Gower's muscular dystrophy; MUSCULAR DYSTROPHY, DISTAL, LATE-ONSET, AUTOSOMAL DOMINANT. Identifiers: Orphanet 603, MedGen C0221054, MONDO:0011466, OMIM 604454.

Allele frequency attached by ClinVar (database versions not stated): gnomAD exomes below 0.00001.

Submission:

Labcorp Genetics (formerly Invitae), Labcorp
Classification: Uncertain significance for Welander distal myopathy. Last evaluated: 2023-08-24. Review status: criteria provided, single submitter. Criteria: Invitae Variant Classification Sherloc (09022015). Collection method: clinical testing. Allele origin: germline.
Comment: This sequence change replaces arginine, which is basic and polar, with serine, which is neutral and polar, at codon 101 of the TIA1 protein (p.Arg101Ser). In summary, the available evidence is currently insufficient to determine the role of this variant in disease. Therefore, it has been classified as a Variant of Uncertain Significance. An algorithm developed to predict the effect of missense changes on protein structure and function (PolyPhen-2) suggests that this variant is likely to be tolerated. ClinVar contains an entry for this variant (Variation ID: 1982470). This variant has not been reported in the literature in individuals affected with TIA1-related conditions. This variant is not present in population databases (gnomAD no frequency).